The following is an entry in ClinVar:

NM_133459.4(CCBE1):c.195G>A (p.Glu65=)

Gene: CCBE1 (collagen and calcium binding EGF domains 1; minus strand). Cytogenetic location: 18q21.32.
Variant type: single nucleotide variant.
Coding change: c.195G>A on transcript NM_133459.4 (MANE Select); coding-DNA position 195, G replaced by A.
Protein change: p.Glu65=; no amino-acid change (glutamic acid 65 retained).
Molecular consequence: synonymous variant.
Genome position (GRCh38, 1-based): chr18:59,696,646, C>T on the plus strand (G>A on the coding strand, the complement: CCBE1 is on the minus strand). VCF-style: chr18-59696646-C-T. GRCh37 (hg19) VCF-style: chr18-57363878-C-T.
Identifiers: ClinVar variation 774935 (VCV000774935.49), dbSNP rs116673304, ClinGen allele CA8980617.

ClinVar aggregate classification (germline): Benign/Likely benign. Review status: criteria provided, multiple submitters, no conflicts (2 of 4 stars). 6 submissions from 6 submitters: Benign (1); Likely benign (2). 3 of the submissions do not count toward it. Last evaluated 2026-09-01.

Conditions:
Hennekam lymphangiectasia-lymphedema syndrome 1 (HKLLS1). Also called: LYMPHATIC DYSPLASIA, GENERALIZED. Identifiers: Orphanet 2136, MedGen C4012050, MONDO:0009337, OMIM 235510.

Allele frequency attached by ClinVar (database versions not stated): 1000 Genomes Project 0.00160; 1000 Genomes Project 30x 0.00172; ExAC 0.00460; gnomAD 0.00463 and 0.00475; ESP Exome Variant Server 0.00469; gnomAD exomes 0.00476 and 0.00625; TOPMed 0.00520.
gnomAD v4.1: 9,783 of 1,614,044 alleles (0.61%); highest among the groups gnomAD compares: Non-Finnish European, 0.74%; 38 homozygotes.

Submissions (6):

CeGaT Center for Human Genetics Tuebingen
Classification: Likely benign. Last evaluated: 2026-09-01. Review status: criteria provided, single submitter. Criteria: CeGaT Center For Human Genetics Tuebingen Variant Classification Criteria Version 2. Collection method: clinical testing. Allele origin: germline. Affected: yes. Observed: 20 variant alleles.
Comment: CCBE1: BP4, BS2

Labcorp Genetics (formerly Invitae), Labcorp
Classification: Benign. Last evaluated: 2026-02-01. Review status: criteria provided, single submitter. Criteria: Invitae Variant Classification Sherloc (09022015). Collection method: clinical testing. Allele origin: germline.

Illumina Laboratory Services, Illumina
Classification: Likely benign for Hennekam lymphangiectasia-lymphedema syndrome 1. Last evaluated: 2018-01-12. Review status: criteria provided, single submitter. Criteria: ICSL Variant Classification Criteria 13 December 2019. Collection method: clinical testing. Allele origin: germline.
Comment: This variant was observed in the ICSL laboratory as part of a predisposition screen in an ostensibly healthy population. It had not been previously curated by ICSL or reported in the Human Gene Mutation Database (HGMD: prior to June 1st, 2018), and was therefore a candidate for classification through an automated scoring system. Utilizing variant allele frequency, disease prevalence and penetrance estimates, and inheritance mode, an automated score was calculated to assess if this variant is too frequent to cause the disease. Based on the score and internal cut-off values, a variant classified as likely benign is not then subjected to further curation. The score for this variant resulted in a classification of likely benign for this disease.

Clinical Genetics, Academic Medical Center
Classification: Likely benign. Review status: no assertion criteria provided. Collection method: clinical testing. Allele origin: germline. Affected: yes. Study: VKGL Data-share Consensus. Not counted in ClinVar's aggregate classification.

Diagnostic Laboratory, Department of Genetics, University Medical Center Groningen
Classification: Likely benign. Review status: no assertion criteria provided. Collection method: clinical testing. Allele origin: germline. Affected: yes. Study: VKGL Data-share Consensus. Not counted in ClinVar's aggregate classification.

Laboratory of Diagnostic Genome Analysis, Leiden University Medical Center (LUMC)
Classification: Likely benign. Review status: no assertion criteria provided. Collection method: clinical testing. Allele origin: germline. Affected: yes. Study: VKGL Data-share Consensus. Not counted in ClinVar's aggregate classification.